The following is an entry in ClinVar:

NM_052867.4(NALCN):c.1605C>A (p.Asp535Glu)

Gene: NALCN (sodium leak channel, non-selective; minus strand). Cytogenetic location: 13q33.1.
Variant type: single nucleotide variant.
Coding change: c.1605C>A on transcript NM_052867.4 (MANE Select); coding-DNA position 1605, C replaced by A.
Protein change: p.Asp535Glu; replaces aspartic acid 535 with glutamic acid.
Molecular consequence: missense variant.
Genome position (GRCh38, 1-based): chr13:101,229,414, G>T on the plus strand (C>A on the coding strand, the complement: NALCN is on the minus strand). VCF-style: chr13-101229414-G-T. GRCh37 (hg19) VCF-style: chr13-101881765-G-T.
Other names: c.1605C>A, p.Asp535Glu (NM_001350748.2, NM_001350749.2); c.1518C>A, p.Asp506Glu (NM_001350750.2, NM_001350751.2); short protein forms D506E, D535E.
Identifiers: ClinVar variation 3251527 (VCV003251527.1), dbSNP rs2502983987.
Genomic context (GRCh38, chr13:101,229,414, plus strand): 5'-AACAATGAATTTAACTTACTGCATTTTTAAAACTCTTACCCTCGGAAACGTAGTAAATCT[G>T]TCCAGTTCTTCGACAAAGCAGAACATCTGCAAACTAATTGCTGACATAACAATCAAGAGG-3'
Protein context (NP_443099.1, residues 525-545): LQMFCFVEEL[Asp535Glu]RFTTFPRAFM

ClinVar aggregate classification (germline): Uncertain significance (1 of 4 stars; one submission).

Submission:

Women's Health and Genetics/Laboratory Corporation of America, LabCorp
Classification: Uncertain significance. Last evaluated: 2024-04-04. Review status: criteria provided, single submitter. Criteria: LabCorp Variant Classification Summary - May 2015. Collection method: clinical testing. Allele origin: germline.
Comment: Variant summary: NALCN c.1605C>A (p.Asp535Glu) results in a conservative amino acid change located in the Ion transport domain (IPR005821) of the encoded protein sequence. Three of five in-silico tools predict a damaging effect of the variant on protein function. The variant was absent in 240848 control chromosomes. The available data on variant occurrences in the general population are insufficient to allow any conclusion about variant significance. To our knowledge, no occurrence of c.1605C>A in individuals affected with Congenital Contractures Of The Limbs And Face, Hypotonia, And Developmental Delay and no experimental evidence demonstrating its impact on protein function have been reported. No submitters have cited clinical-significance assessments for this variant to ClinVar. Based on the evidence outlined above, the variant was classified as uncertain significance.